The following is an entry in ClinVar:

NM_000069.3(CACNA1S):c.4429A>G (p.Ile1477Val)

Gene: CACNA1S (calcium voltage-gated channel subunit alpha1 S; minus strand). Cytogenetic location: 1q32.1.
Variant type: single nucleotide variant.
Coding change: c.4429A>G on transcript NM_000069.3 (MANE Select); coding-DNA position 4429, A replaced by G.
Protein change: p.Ile1477Val; replaces isoleucine 1477 with valine.
Molecular consequence: missense variant.
Genome position (GRCh38, 1-based): chr1:201,048,594, T>C on the plus strand (A>G on the coding strand, the complement: CACNA1S is on the minus strand). VCF-style: chr1-201048594-T-C. GRCh37 (hg19) VCF-style: chr1-201017722-T-C.
Other names: short protein forms I1477V.
Identifiers: ClinVar variation 4757720 (VCV004757720.1).

ClinVar aggregate classification (germline): Uncertain significance (1 of 4 stars; one submission).

Conditions:
Malignant hyperthermia, susceptibility to, 5 (MHS5). Also called: CACNA1S-Related Malignant Hyperthermia Susceptibility. Identifiers: Orphanet 423, MedGen C1866077, MONDO:0011163, OMIM 601887.

gnomAD v4.1: 1 of 1,613,388 alleles (0.000062%); highest among the groups gnomAD compares: African/African-American, 0.0013%; no homozygotes.

Submission:

Color Diagnostics, LLC DBA Color Health
Classification: Uncertain significance for Malignant hyperthermia, susceptibility to, 5. Last evaluated: 2025-08-07. Review status: criteria provided, single submitter. Criteria: ACMG Guidelines, 2015. Collection method: clinical testing. Allele origin: germline.
Comment: This missense variant replaces isoleucine with valine at codon 1477 of the CACNA1S protein. Computational prediction suggests that this variant may have deleterious impact on protein structure and function. To our knowledge, functional studies have not been reported for this variant. This variant has not been reported in individuals affected with CACNA1S-related disorders in the literature. This variant has not been identified in the general population by the Genome Aggregation Database (gnomAD). The available evidence is insufficient to determine the role of this variant in disease conclusively. Therefore, this variant is classified as a Variant of Uncertain Significance.